The following is an entry in ClinVar:

ClinVar aggregate classification (germline): Uncertain significance (1 of 4 stars; one submission).

Submission:

Labcorp Genetics (formerly Invitae), Labcorp
Classification: Uncertain significance. Last evaluated: 2025-03-13. Review status: criteria provided, single submitter. Criteria: Invitae Variant Classification Sherloc (09022015). Collection method: clinical testing. Allele origin: germline.
Comment: This sequence change replaces glycine, which is neutral and non-polar, with serine, which is neutral and polar, at codon 205 of the TBXA2R protein (p.Gly205Ser). This variant is not present in population databases (gnomAD no frequency). This variant has not been reported in the literature in individuals affected with TBXA2R-related conditions. Invitae Evidence Modeling of protein sequence and biophysical properties (such as structural, functional, and spatial information, amino acid conservation, physicochemical variation, residue mobility, and thermodynamic stability) indicates that this missense variant is not expected to disrupt TBXA2R protein function with a negative predictive value of 80%. In summary, the available evidence is currently insufficient to determine the role of this variant in disease. Therefore, it has been classified as a Variant of Uncertain Significance.

NM_001060.6(TBXA2R):c.613G>A (p.Gly205Ser)

Gene: TBXA2R (thromboxane A2 receptor; minus strand). Cytogenetic location: 19p13.3.
Variant type: single nucleotide variant.
Coding change: c.613G>A on transcript NM_001060.6 (MANE Select); coding-DNA position 613, G replaced by A.
Protein change: p.Gly205Ser; replaces glycine 205 with serine.
Molecular consequence: missense variant.
Genome position (GRCh38, 1-based): chr19:3,600,022, C>T on the plus strand (G>A on the coding strand, the complement: TBXA2R is on the minus strand). VCF-style: chr19-3600022-C-T. GRCh37 (hg19) VCF-style: chr19-3600020-C-T.
Other names: c.613G>A, p.Gly205Ser (NM_201636.3); short protein forms G205S.
Identifiers: ClinVar variation 4767165 (VCV004767165.1).